The following is an entry in ClinVar:

ClinVar aggregate classification (germline): Likely pathogenic (1 of 4 stars; one submission).

Conditions:
Hemolytic uremic syndrome, atypical, susceptibility to, 1. Also called: AHUS, SUSCEPTIBILITY TO, 1. Identifiers: Orphanet 2134, Orphanet 90038, MedGen C2749604, MONDO:0009335, OMIM 235400. Disease mechanism: Other.

Submission:

MVZ Medizinische Genetik Mainz
Classification: Likely pathogenic for Hemolytic uremic syndrome, atypical, susceptibility to, 1. Last evaluated: 2026-03-30. Review status: criteria provided, single submitter. Criteria: UK Practice Guidelines For Variant Classification V4 01 2020. Collection method: clinical testing. Allele origin: germline. Inheritance: Autosomal dominant inheritance. Affected: yes. Observed: 1 variant allele.
Comment: ACMG Criteria: PM1,PM5,PM2_SUP,PP4

NM_000186.4(CFH):c.3544A>T (p.Arg1182Trp)

Gene: CFH (complement factor H; plus strand). Cytogenetic location: 1q31.3.
Variant type: single nucleotide variant.
Coding change: c.3544A>T on transcript NM_000186.4 (MANE Select); coding-DNA position 3544, A replaced by T.
Protein change: p.Arg1182Trp; replaces arginine 1182 with tryptophan.
Molecular consequence: missense variant.
Genome position (GRCh38, 1-based): chr1:196,747,161, A>T. VCF-style: chr1-196747161-A-T. GRCh37 (hg19) VCF-style: chr1-196716291-A-T.
Other names: short protein forms R1182W.
Identifiers: ClinVar variation 4849203 (VCV004849203.1).